The following is an entry in ClinVar:

ClinVar aggregate classification (germline): Likely benign. Review status: criteria provided, single submitter (1 of 4 stars). 2 submissions from 2 submitters: Likely benign (1). 1 of the submissions does not count toward it. Last evaluated 2025-05-01.

Conditions:
HNF1B-related disorder. Also called: HNF1B-related condition; HNF1B-related disorders.

Allele frequency attached by ClinVar (database versions not stated): gnomAD 0.00001; gnomAD exomes 0.00001; TOPMed 0.00001.
gnomAD v4.1: 10 of 1,613,840 alleles (0.00062%); highest among the groups gnomAD compares: Admixed American, 0.0033%; no homozygotes.

Submissions (2):

Labcorp Genetics (formerly Invitae), Labcorp
Classification: Likely benign. Last evaluated: 2025-05-01. Review status: criteria provided, single submitter. Criteria: Invitae Variant Classification Sherloc (09022015). Collection method: clinical testing. Allele origin: germline.

PreventionGenetics, part of Exact Sciences
Classification: Likely benign for HNF1B-related condition. Last evaluated: 2020-08-10. Review status: no assertion criteria provided. Collection method: clinical testing. Allele origin: germline. Not counted in ClinVar's aggregate classification.
Comment: This variant is classified as likely benign based on ACMG/AMP sequence variant interpretation guidelines (Richards et al. 2015 PMID: 25741868, with internal and published modifications).

NM_000458.4(HNF1B):c.1251G>A (p.Thr417=)

Gene: HNF1B (HNF1 homeobox B; minus strand). Cytogenetic location: 17q12.
Variant type: single nucleotide variant.
Coding change: c.1251G>A on transcript NM_000458.4 (MANE Select); coding-DNA position 1251, G replaced by A.
Protein change: p.Thr417=; no amino-acid change (threonine 417 retained).
Molecular consequence: synonymous variant.
Genome position (GRCh38, 1-based): chr17:37,705,005, C>T on the plus strand (G>A on the coding strand, the complement: HNF1B is on the minus strand). VCF-style: chr17-37705005-C-T. GRCh37 (hg19) VCF-style: chr17-36065012-C-T.
Other names: c.1173G>A, p.Thr391= (NM_001165923.4, NM_001304286.2); c.1251G>A, p.Thr417= (NM_001411100.1).
Identifiers: ClinVar variation 3052030 (VCV003052030.3), dbSNP rs879006831, ClinGen allele CA290297052.